The following is an entry in ClinVar:

NM_144573.4(NEXN):c.1053+1G>A

Gene: NEXN (nexilin F-actin binding protein; plus strand). Cytogenetic location: 1p31.1.
Variant type: single nucleotide variant.
Coding change: c.1053+1G>A on transcript NM_144573.4 (MANE Select); the canonical splice donor site of the intron after coding-DNA position 1053, G replaced by A.
Molecular consequence: splice donor variant.
Genome position (GRCh38, 1-based): chr1:77,929,505, G>A. VCF-style: chr1-77929505-G-A. GRCh37 (hg19) VCF-style: chr1-78395190-G-A.
Other names: c.861+1G>A (NM_001172309.2).
Identifiers: ClinVar variation 47886 (VCV000047886.28), dbSNP rs397517843, ClinGen allele CA142103.
Genomic context (GRCh38, chr1:77,929,505, plus strand): 5'-GAAGCCAGAAGGAGAATAGAGGAAGAAAAGAAGGCGTTTGCTGAAGCAAGGAGAAATATG[G>A]TAAGACAGAAGCTAACTGGAGAATGCTATTAGAATTCACCTTTGAGAATATGTTAATAGA-3'

ClinVar aggregate classification (germline): Conflicting classifications of pathogenicity. Review status: criteria provided, conflicting classifications (1 of 4 stars). 13 submissions from 13 submitters: Likely pathogenic (1); Uncertain significance (9). 3 of the submissions do not count toward it. Last evaluated 2026-01-15.

Conditions:
NEXN-related disorder. Also called: NEXN-related disorders; NEXN-related condition.
Cardiovascular phenotype. Identifiers: MedGen CN230736.
Hypertrophic cardiomyopathy 20. Identifiers: MedGen C3151267, MONDO:0013477, OMIM 613876.
Dilated cardiomyopathy 1CC (CMD1CC). Identifiers: Orphanet 154, MedGen C2751084, MONDO:0013147, OMIM 613122.
Cardiomyopathy (CMYO). Also called: Cardiomyopathies. Identifiers: Orphanet 167848, MedGen C0878544, MONDO:0004994, HP:0001638. Inheritance: Various modes of inheritance.

Allele frequency attached by ClinVar (database versions not stated): ExAC 0.00002; gnomAD exomes 0.00003 and 0.00007; TOPMed 0.00003.

Submissions (14):

Labcorp Genetics (formerly Invitae), Labcorp
Classification: Likely pathogenic for Dilated cardiomyopathy 1CC; Hypertrophic cardiomyopathy 20. Last evaluated: 2026-01-15. Review status: criteria provided, single submitter. Criteria: Invitae Variant Classification Sherloc (09022015). Collection method: clinical testing. Allele origin: germline.
Comment: This sequence change affects a donor splice site in intron 9 of the NEXN gene. It is expected to disrupt RNA splicing. Variants that disrupt the donor or acceptor splice site typically lead to a loss of protein function (PMID: 16199547), and loss-of-function variants in NEXN are known to be pathogenic (PMID: 19881492, 32058062, 32814711, 32870709, 33949776, 38059363, 40680702). This variant is present in population databases (rs397517843, gnomAD 0.008%). Disruption of this splice site has been observed in individual(s) with NEXN-related conditions (PMID: 24503780, 31514951, 36138163). ClinVar contains an entry for this variant (Variation ID: 47886). Algorithms developed to predict the effect of sequence changes on RNA splicing suggest that this variant may disrupt the consensus splice site. In summary, the currently available evidence indicates that the variant is pathogenic, but additional data are needed to prove that conclusively. Therefore, this variant has been classified as Likely Pathogenic.

PreventionGenetics, part of Exact Sciences
Classification: Uncertain significance for NEXN-related condition. Last evaluated: 2025-08-28. Review status: criteria provided, single submitter. Criteria: ACMG Guidelines, 2015. Collection method: clinical testing. Allele origin: germline.
Comment: The NEXN c.1053+1G>A variant is predicted to disrupt the GT donor site and interfere with normal splicing. This variant was reported in individuals with dilated cardiomyopathy phenotypes (Supplemental Table 1, Pugh et al 2014. PubMed ID: 24503780; Table S1B, Walsh et al. 2017. PubMed ID: 27532257; Online Table 1, Gigli et al. 2019. PubMed ID: 31514951). This variant is reported in 0.0072% of alleles in individuals of European (Non-Finnish) descent in gnomAD. Loss of function variants in NEXN have been associated with dilated cardiomyopathy phenotypes; however, variants disrupting canonical splicing sites have not been frequently reported and have conflicting interpretations in ClinVar (HGMD, Human Gene Mutation Database). Although we suspect that this variant may be pathogenic, at this time, the clinical significance of this variant is uncertain due to the absence of conclusive functional and genetic evidence.

Molecular Diagnostic Laboratory for Inherited Cardiovascular Disease, Montreal Heart Institute
Classification: Uncertain significance for Cardiovascular phenotype. Last evaluated: 2025-04-08. Review status: criteria provided, single submitter. Criteria: ACMG Guidelines, 2015. Collection method: clinical testing. Allele origin: germline. Affected: yes.
Comment: PVS1_mod, PS4_supp, PP1

Blueprint Genetics
Classification: Uncertain significance. Last evaluated: 2024-09-13. Review status: criteria provided, single submitter. Criteria: ACMG Guidelines, 2015. Collection method: clinical testing. Allele origin: germline.

Genetics and Molecular Pathology, SA Pathology
Classification: Uncertain significance for Hypertrophic cardiomyopathy 20. Last evaluated: 2022-04-06. Review status: criteria provided, single submitter. Criteria: ACMG Guidelines, 2015. Collection method: clinical testing. Allele origin: germline. Inheritance: Autosomal dominant inheritance. Affected: yes.

Fulgent Genetics
Classification: Uncertain significance for Dilated cardiomyopathy 1CC; Hypertrophic cardiomyopathy 20. Last evaluated: 2021-10-22. Review status: criteria provided, single submitter. Criteria: ACMG Guidelines, 2015. Collection method: clinical testing. Allele origin: unknown.

Ambry Genetics
Classification: Uncertain significance for Cardiovascular phenotype. Last evaluated: 2020-11-17. Review status: criteria provided, single submitter. Criteria: Ambry Variant Classification Scheme 2023. Collection method: clinical testing. Allele origin: germline.
Comment: The c.1053+1G>A intronic alteration consists of a G to A substitution nucleotides after coding exon 8 in the NEXN gene. Based on insufficient or conflicting evidence, the clinical significance of this alteration remains unclear.

GeneDx
Classification: Uncertain significance. Last evaluated: 2019-10-08. Review status: criteria provided, single submitter. Criteria: GeneDx Variant Classification Process June 2021. Collection method: clinical testing. Allele origin: germline. Affected: yes.
Comment: Identified in patients with DCM in the published literature (Pugh et al., 2014; Walsh et al., 2017); Reported in ClinVar as a variant of uncertain significance (ClinVar Variant ID# 47886; Landrum et al., 2016); Not observed at a significant frequency in large population cohorts (Lek et al., 2016); Canonical splice site variant in a gene for which loss-of-function is not a known mechanism of disease; This variant is associated with the following publications: (PMID: 24503780, 27532257, 31514951)

CHEO Genetics Diagnostic Laboratory, Children's Hospital of Eastern Ontario
Classification: Uncertain significance for Cardiomyopathy. Last evaluated: 2019-06-05. Review status: criteria provided, single submitter. Criteria: ACMG Guidelines, 2015. Collection method: clinical testing. Allele origin: germline.

Laboratory for Molecular Medicine, Mass General Brigham Personalized Medicine
Classification: Uncertain significance. Last evaluated: 2018-04-27. Review status: criteria provided, single submitter. Criteria: LMM Criteria. Collection method: clinical testing. Allele origin: germline. Observed: 3 variant alleles.
Comment: This variant has been identified in 9/109006 Europea n chromosomes by the Genome Aggregation Database (gnomAD; dbSNP rs397517843). This variant occurs in the invariant region (+/- 1,2) of the splice consensus sequence and is predicted to cause altered splicin g leading to an abnormal or absent protein. NEXN variants have been described i n individuals with DCM and HCM but they are rare and overall poorly studied. In summary, the clinical significance of the c.1053+1G>A variant is uncertain. ACMG /AMP Criteria applied: PP3.

Clinical Genetics DNA and cytogenetics Diagnostics Lab, Erasmus MC, Erasmus Medical Center
Classification: Uncertain significance. Review status: no assertion criteria provided. Collection method: clinical testing. Allele origin: germline. Affected: yes. Study: VKGL Data-share Consensus. Not counted in ClinVar's aggregate classification.

Department of Pathology and Laboratory Medicine, Sinai Health System
Classification: Uncertain significance. Review status: no assertion criteria provided. Collection method: clinical testing. Allele origin: unknown. Affected: yes. Study: The Canadian Open Genetics Repository (COGR). Not counted in ClinVar's aggregate classification.
Comment: The NEXN c.1053+1G>A variant was identified in 1 of 312 proband chromosomes (frequency: 0.0032) from individuals with dilated cardiomyopathy (Walsh_2017_PMID:27532257; Pugh_2014_PMID:24503780). The variant was identified in dbSNP (ID: rs397517843) and ClinVar (classified as uncertain significance by Invitae, GeneDx, Blueprint Genetics, Laboratory for Molecular Medicine and Molecular Diagnostic Laboratory for Inherited Cardiovascular Disease, Montreal Heart Institute). The variant was identified in control databases in 8 of 246862 chromosomes at a frequency of 0.00003241 (Genome Aggregation Database March 6, 2019, v2.1.1). The variant was observed in the European (non-Finnish) population in 8 of 110632 chromosomes (freq: 0.000072), but was not observed in the African, Latino, Ashkenazi Jewish, East Asian, European (Finnish), Other, or South Asian populations. The c.1053+1G>A variant is predicted to cause abnormal splicing because the nucleotide substitution occurs in the invariant region of the splice consensus sequence. In addition, three of four in silico or computational prediction software programs (SpliceSiteFinder, MaxEntScan, NNSPLICE, GeneSplicer) predict a greater than 10% difference in splicing and the loss of the canonical 5' splice site. However, this has not been confirmed by RNA analysis. In summary, based on the above information the clinical significance of this variant cannot be determined with certainty at this time. This variant is classified as a variant of uncertain significance.

Dr. Peter K. Rogan Lab, Western University
No classification provided (evidence only). Condition: Hepatocellular carcinoma. Review status: no classification provided. Collection method: in vitro. Allele origin: not applicable. Functional consequence: retained intron. Not counted in ClinVar's aggregate classification.

Genome Diagnostics Laboratory, University Medical Center Utrecht
Classification: Uncertain significance. Review status: no assertion criteria provided. Collection method: clinical testing. Allele origin: germline. Affected: yes. Study: VKGL Data-share Consensus. Not counted in ClinVar's aggregate classification.

Literature cited by the submitters: PubMed 16199547 (cited by Labcorp Genetics (formerly Invitae), Labcorp); PubMed 19881492 (cited by Labcorp Genetics (formerly Invitae), Labcorp); PubMed 32058062 (cited by Labcorp Genetics (formerly Invitae), Labcorp); PubMed 32814711 (cited by Labcorp Genetics (formerly Invitae), Labcorp); PubMed 32870709 (cited by Labcorp Genetics (formerly Invitae), Labcorp); PubMed 33949776 (cited by Labcorp Genetics (formerly Invitae), Labcorp); PubMed 38059363 (cited by Labcorp Genetics (formerly Invitae), Labcorp); PubMed 40680702 (cited by Labcorp Genetics (formerly Invitae), Labcorp); PubMed 24503780 (cited by Labcorp Genetics (formerly Invitae), Labcorp and Laboratory for Molecular Medicine, Mass General Brigham Personalized Medicine); PubMed 31514951 (cited by Labcorp Genetics (formerly Invitae), Labcorp); PubMed 36138163 (cited by Labcorp Genetics (formerly Invitae), Labcorp); PubMed 27532257 (cited by Laboratory for Molecular Medicine, Mass General Brigham Personalized Medicine).